The following is an entry in ClinVar:

NM_002230.4(JUP):c.624C>T (p.Ile208=)

Gene: JUP (junction plakoglobin; minus strand). Cytogenetic location: 17q21.2.
Variant type: single nucleotide variant.
Coding change: c.624C>T on transcript NM_002230.4 (MANE Select); coding-DNA position 624, C replaced by T.
Protein change: p.Ile208=; no amino-acid change (isoleucine 208 retained).
Molecular consequence: synonymous variant.
Genome position (GRCh38, 1-based): chr17:41,769,052, G>A on the plus strand (C>T on the coding strand, the complement: JUP is on the minus strand). VCF-style: chr17-41769052-G-A. GRCh37 (hg19) VCF-style: chr17-39925304-G-A.
Other names: c.624C>T, p.Ile208= (NM_001352773.2, NM_001352774.2, NM_001352775.2 and 3 more transcripts).
Identifiers: ClinVar variation 389685 (VCV000389685.3), dbSNP rs566435665, ClinGen allele CA16607236.

ClinVar aggregate classification (germline): Likely benign. Review status: criteria provided, multiple submitters, no conflicts (2 of 4 stars). 2 submissions from 2 submitters: Likely benign (2). Last evaluated 2025-12-14.

Conditions:
Naxos disease (NXD). Also called: CARDIOMYOPATHY, ARRHYTHMOGENIC RIGHT VENTRICULAR, WITH SKIN, HAIR, AND NAIL ABNORMALITIES; PALMOPLANTAR KERATODERMA WITH ARRHYTHMOGENIC RIGHT VENTRICULAR CARDIOMYOPATHY AND WOOLLY HAIR; WOOLLY HAIR, PALMOPLANTAR KERATODERMA, AND CARDIAC ABNORMALITIES; KERATOSIS PALMOPLANTARIS WITH ARRHYTHMOGENIC CARDIOMYOPATHY; MAL DE NAXOS. Identifiers: Orphanet 34217, MedGen C1832600, MONDO:0011017, OMIM 601214.
Arrhythmogenic right ventricular dysplasia 12. Also called: ARRHYTHMOGENIC RIGHT VENTRICULAR DYSPLASIA, FAMILIAL, 12. Identifiers: MedGen C1969081, MONDO:0012684, OMIM 611528.

Allele frequency attached by ClinVar (database versions not stated): gnomAD 0.00001; TOPMed 0.00001.

Submissions (2):

Labcorp Genetics (formerly Invitae), Labcorp
Classification: Likely benign for Arrhythmogenic right ventricular dysplasia 12; Naxos disease. Last evaluated: 2025-12-14. Review status: criteria provided, single submitter. Criteria: Invitae Variant Classification Sherloc (09022015). Collection method: clinical testing. Allele origin: germline.

GeneDx
Classification: Likely benign. Last evaluated: 2016-10-05. Review status: criteria provided, single submitter. Criteria: GeneDx Variant Classification (06012015). Collection method: clinical testing. Allele origin: germline. Affected: yes.
Comment: This variant is considered likely benign or benign based on one or more of the following criteria: it is a conservative change, it occurs at a poorly conserved position in the protein, it is predicted to be benign by multiple in silico algorithms, and/or has population frequency not consistent with disease.